The following is an entry in ClinVar:

ClinVar aggregate classification (germline): Likely pathogenic (1 of 4 stars; one submission).

Conditions:
Catecholaminergic polymorphic ventricular tachycardia 5 (CARDAR). Also called: Ventricular tachycardia, catecholaminergic polymorphic, 5, with or without muscle weakness; CARDIAC ARRHYTHMIA SYNDROME, WITH OR WITHOUT SKELETAL MUSCLE WEAKNESS. Identifiers: Orphanet 3286, MedGen C3809536, MONDO:0014191, OMIM 615441.

Submission:

KardioGenetik, Herz- und Diabeteszentrum NRW
Classification: Likely pathogenic for Catecholaminergic polymorphic ventricular tachycardia 5. Last evaluated: 2026-07-06. Review status: criteria provided, single submitter. Criteria: ACMG Guidelines, 2015. Collection method: clinical testing. Allele origin: unknown. Affected: yes. Observed: 1 variant allele.
Comment: The variant is present in the heterozygous state and is classified as likely pathogenic. No additional rare, potentially pathogenic variants were identified in the TRDN gene. Since TRDN-associated catecholaminergic polymorphic ventricular tachycardia (CPVT) is inherited in an autosomal recessive manner, with only homozygous or compound heterozygous individuals being affected, the isolated heterozygous variant detected here is considered to be of no clinical significance. The identified variant has not been reported in public databases or the published literature. Evidence supporting its pathogenicity includes its absence from population datasets such as gnomAD and the fact that the cytosine-to-thymine substitution at cDNA position 892 introduces a premature stop codon at amino acid position 298. The resulting transcript is predicted to undergo nonsense-mediated mRNA decay, leading to haploinsufficiency. However, haploinsufficiency has not been described as a disease mechanism for this disorder, consistent with its autosomal recessive mode of inheritance. (PVS1, PM2_supporting)

NM_006073.4(TRDN):c.892C>T (p.Gln298Ter)

Genes: TRDN (triadin; minus strand), TRDN-AS1 (TRDN antisense RNA 1; plus strand). Cytogenetic location: 6q22.31.
Variant type: single nucleotide variant.
Coding change: c.892C>T on transcript NM_006073.4 (MANE Select); coding-DNA position 892, C replaced by T.
Protein change: p.Gln298Ter; replaces glutamine 298 with a stop codon.
Molecular consequence: nonsense.
Genome position (GRCh38, 1-based): chr6:123,464,945, G>A on the plus strand (C>T on the coding strand, the complement: TRDN is on the minus strand). VCF-style: chr6-123464945-G-A. GRCh37 (hg19) VCF-style: chr6-123786090-G-A.
Other names: c.892C>T, p.Gln298Ter (NM_001251987.2); c.832C>T, p.Gln278Ter (NM_001256020.2, NM_001407315.1); short protein forms Q278*, Q298*.
Identifiers: ClinVar variation 4974964 (VCV004974964.1).